The following is an entry in ClinVar:

NM_032043.3(BRIP1):c.1610T>C (p.Leu537Pro)

Gene: BRIP1 (BRCA1 interacting DNA helicase 1; minus strand). Cytogenetic location: 17q23.2.
Variant type: single nucleotide variant.
Coding change: c.1610T>C on transcript NM_032043.3 (MANE Select); coding-DNA position 1610, T replaced by C.
Protein change: p.Leu537Pro; replaces leucine 537 with proline.
Molecular consequence: missense variant.
Genome position (GRCh38, 1-based): chr17:61,784,288, A>G on the plus strand (T>C on the coding strand, the complement: BRIP1 is on the minus strand). VCF-style: chr17-61784288-A-G. GRCh37 (hg19) VCF-style: chr17-59861649-A-G.
Other names: short protein forms L537P.
Identifiers: ClinVar variation 1042573 (VCV001042573.9), dbSNP rs1567816751, ClinGen allele CA400480941.

ClinVar aggregate classification (germline): Uncertain significance (1 of 4 stars; one submission).

Conditions:
Fanconi anemia complementation group J. Also called: BRIP1-Related Fanconi Anemia. Identifiers: Orphanet 84, MedGen C1836860, MONDO:0012187, OMIM 609054.
Familial cancer of breast. Also called: BREAST CANCER, FAMILIAL; Hereditary breast cancer; hereditary breast carcinoma. Identifiers: Orphanet 227535, MedGen C0346153, MONDO:0016419, OMIM 114480. Disease mechanism: loss of function.

Submission:

Labcorp Genetics (formerly Invitae), Labcorp
Classification: Uncertain significance for Familial cancer of breast; Fanconi anemia complementation group J. Last evaluated: 2020-09-01. Review status: criteria provided, single submitter. Criteria: Invitae Variant Classification Sherloc (09022015). Collection method: clinical testing. Allele origin: germline.
Comment: Algorithms developed to predict the effect of missense changes on protein structure and function are either unavailable or do not agree on the potential impact of this missense change (SIFT: "Deleterious"; PolyPhen-2: "Probably Damaging"; Align-GVGD: "Class C0"). This variant has not been reported in the literature in individuals with BRIP1-related conditions. This variant is not present in population databases (ExAC no frequency). This sequence change replaces leucine with proline at codon 537 of the BRIP1 protein (p.Leu537Pro). The leucine residue is highly conserved and there is a moderate physicochemical difference between leucine and proline. In summary, the available evidence is currently insufficient to determine the role of this variant in disease. Therefore, it has been classified as a Variant of Uncertain Significance.